The following is an entry in ClinVar:

NM_000419.5(ITGA2B):c.2169del (p.Pro723_Met724insTer)

Gene: ITGA2B (integrin subunit alpha 2b; minus strand). Cytogenetic location: 17q21.31.
Variant type: Deletion.
Coding change: c.2169del on transcript NM_000419.5 (MANE Select); coding-DNA position 2169, one base deleted (C; older notation c.2169delC).
Protein change: p.Pro723_Met724insTer.
Molecular consequence: frameshift variant.
Genome position (GRCh38, 1-based): chr17:44,377,716, G deleted on the plus strand (C on the coding strand, the reverse complement: ITGA2B is on the minus strand); the first of 4 consecutive G bases (chr17:44,377,716-44,377,719); deleting any one gives the same sequence. VCF-style (leftmost placement, unchanged base first): chr17-44377715-TG-T. GRCh37 (hg19) VCF-style: chr17-42455083-TG-T.
Other names: NM_000419.5(ITGA2B):c.2169del; p.Pro723_Met724insTer.
Identifiers: ClinVar variation 1684322 (VCV001684322.2), dbSNP rs2143447351, ClinGen allele CA2573153938.

ClinVar aggregate classification (germline): Likely pathogenic. Review status: reviewed by expert panel (3 of 4 stars). 2 submissions from 2 submitters: Likely pathogenic (1). 1 of the submissions does not count toward it. Last evaluated 2024-04-16.

Conditions:
Glanzmann thrombasthenia. Also called: PLATELET GLYCOPROTEIN IIb-IIIa DEFICIENCY; THROMBASTHENIA OF GLANZMANN AND NAEGELI; Glanzmann's thrombasthenia; Thrombasthenia. Identifiers: Orphanet 849, MedGen C0040015, MONDO:0100326.
Glanzmann thrombasthenia 1 (GT1). Also called: BLEEDING DISORDER, PLATELET-TYPE, 2; GP IIb-IIIa COMPLEX DEFICIENCY; GLYCOPROTEIN COMPLEX IIb-IIIa DEFICIENCY; PLATELET FIBRINOGEN RECEPTOR DEFICIENCY. Identifiers: MedGen CN300358, MONDO:0031332, OMIM 273800.

Submissions (2):

ClinGen Platelet Disorders Variant Curation Expert Panel, ClinGen
Classification: Likely pathogenic for Glanzmann thrombasthenia. Last evaluated: 2024-04-16. Review status: reviewed by expert panel. Criteria: ClinGen Platelet ACMG Specifications v2-1. Collection method: curation. Allele origin: germline. Inheritance: Autosomal recessive inheritance.
Comment: The NM_000419.5(ITGA2B):c.2169del (p.Met724Ter) frameshift variant results in an immediate premature stop codon in exon 21 of 30 and is predicted to cause nonsense mediated decay (PVS1). This variant is absent from gnomAD v4.0.0 (PM2_Supporting). This variant is reported in one Glanzmann thrombasthenia patient in ClinVar (ISTH-SSC Genomics in Thrombosis and Hemostasis, KU Leuven, Center for Molecular and Vascular Biology). However, the phenotypic detail of this patient is not enough to apply PP4 by the PD VCEP. The patient is compound heterozygous with the Likely pathogenic variant NM_000419.5(ITGA2B):c.2174del (p.Lys725ArgfsTer6). No other cases of the variant segregating in GT patients were found in the literature. In summary, this variant meets the criteria to be classified as Likely Pathogenic for autosomal recessive Glanzmann Thrombasthenia based on the ACMG/AMP criteria applied, as specified by the ClinGen PD VCEP: PVS1, PM2_Supporting (VCEP specifications version 2; date of approval 04/16/2024).

ISTH-SSC Genomics in Thrombosis and Hemostasis, KU Leuven, Center for Molecular and Vascular Biology
Classification: Pathogenic for Glanzmann thrombasthenia 1. Review status: no assertion criteria provided. Collection method: research. Allele origin: unknown. Affected: yes. Not counted in ClinVar's aggregate classification.
Comment: Submitted to GoldVariant by Dr Karyn Mégy from NIHR Bioresource - Cambridge University, UK